The following is an entry in ClinVar:

NM_000235.4(LIPA):c.1032C>G (p.His344Gln)

Gene: LIPA (lipase A, lysosomal acid type; minus strand). Cytogenetic location: 10q23.31.
Variant type: single nucleotide variant.
Coding change: c.1032C>G on transcript NM_000235.4 (MANE Select); coding-DNA position 1032, C replaced by G.
Protein change: p.His344Gln; replaces histidine 344 with glutamine.
Molecular consequence: missense variant.
Genome position (GRCh38, 1-based): chr10:89,214,996, G>C on the plus strand (C>G on the coding strand, the complement: LIPA is on the minus strand). VCF-style: chr10-89214996-G-C. GRCh37 (hg19) VCF-style: chr10-90974753-G-C.
Other names: c.1032C>G, p.His344Gln (NM_001127605.3); c.684C>G, p.His228Gln (NM_001288979.2); short protein forms H344Q, H228Q.
Identifiers: ClinVar variation 595887 (VCV000595887.11), dbSNP rs779601441, ClinGen allele CA5593522.
Genomic context (GRCh38, chr10:89,214,996, plus strand): 5'-CACCAAGTTGGTGATCTGAGTCAGTAAGATATTGACGTCGTAGACATCTGCAAGCCAGTC[G>C]TGACCCCCGCTCCAGACTGCAGTCGGCACAAGCATGTCCTTCACATTGTATGTGGGAGGA-3'
Protein context (NP_000226.2, residues 334-354): LVPTAVWSGG[His344Gln]DWLADVYDVN

ClinVar aggregate classification (germline): Conflicting classifications of pathogenicity. Review status: criteria provided, conflicting classifications (1 of 4 stars). 3 submissions from 3 submitters: Uncertain significance (2); Likely benign (1). Last evaluated 2022-01-12.

Conditions:
Cardiovascular phenotype. Identifiers: MedGen CN230736.
Wolman disease (WOLD). Also called: Wolman disease, CESD; LYSOSOMAL ACID LIPASE DEFICIENCY, ACUTE INFANTILE; LYSOSOMAL ACID LIPASE DEFICIENCY, COMPLETE; LIPA DEFICIENCY, COMPLETE; LAL DEFICIENCY, COMPLETE; CHOLESTEROL ESTER HYDROLASE DEFICIENCY, COMPLETE. Identifiers: Orphanet 75233, MedGen C0043208, MONDO:0019148, OMIM 620151.

Allele frequency attached by ClinVar (database versions not stated): TOPMed 0.00004.
gnomAD v4.1: 10 of 1,613,998 alleles (0.00062%); highest among the groups gnomAD compares: African/African-American, 0.012%; no homozygotes.

Submissions (3):

Ambry Genetics
Classification: Likely benign for Cardiovascular phenotype. Last evaluated: 2022-01-12. Review status: criteria provided, single submitter. Criteria: Ambry Variant Classification Scheme 2023. Collection method: clinical testing. Allele origin: germline.

Labcorp Genetics (formerly Invitae), Labcorp
Classification: Uncertain significance for Wolman disease. Last evaluated: 2021-10-22. Review status: criteria provided, single submitter. Criteria: Invitae Variant Classification Sherloc (09022015). Collection method: clinical testing. Allele origin: germline.
Comment: In summary, the available evidence is currently insufficient to determine the role of this variant in disease. Therefore, it has been classified as a Variant of Uncertain Significance. Algorithms developed to predict the effect of missense changes on protein structure and function output the following: SIFT: "Tolerated"; PolyPhen-2: "Benign"; Align-GVGD: "Class C0". The glutamine amino acid residue is found in multiple mammalian species, which suggests that this missense change does not adversely affect protein function. ClinVar contains an entry for this variant (Variation ID: 595887). This variant has not been reported in the literature in individuals affected with LIPA-related conditions. This variant is present in population databases (rs779601441, ExAC 0.03%). This sequence change replaces histidine with glutamine at codon 344 of the LIPA protein (p.His344Gln). The histidine residue is weakly conserved and there is a small physicochemical difference between histidine and glutamine.

Eurofins Ntd Llc (ga)
Classification: Uncertain significance. Last evaluated: 2018-01-26. Review status: criteria provided, single submitter. Criteria: EGL Classification Definitions 2015. Collection method: clinical testing. Allele origin: germline. Observed: 1 variant allele, 1 heterozygote.